The following is an entry in ClinVar:

NM_000245.4(MET):c.3508C>T (p.Arg1170Ter)

Gene: MET (MET proto-oncogene, receptor tyrosine kinase; plus strand). Cytogenetic location: 7q31.2.
Variant type: single nucleotide variant.
Coding change: c.3508C>T on transcript NM_000245.4 (MANE Select); coding-DNA position 3508, C replaced by T.
Protein change: p.Arg1170Ter; replaces arginine 1170 with a stop codon.
Molecular consequence: nonsense.
Genome position (GRCh38, 1-based): chr7:116,778,943, C>T. VCF-style: chr7-116778943-C-T. GRCh37 (hg19) VCF-style: chr7-116418997-C-T.
Other names: c.3562C>T (LRG_662t1); c.3562C>T, p.Arg1188Ter (NM_001127500.3); c.2218C>T, p.Arg740Ter (NM_001324402.2); short protein forms R1188*, R740*, R1170*.
Identifiers: ClinVar variation 546023 (VCV000546023.8), dbSNP rs200754673, ClinGen allele CA368990340.

ClinVar aggregate classification (germline): Uncertain significance. Review status: criteria provided, multiple submitters, no conflicts (2 of 4 stars). 3 submissions from 3 submitters: Uncertain significance (3). Last evaluated 2026-01-25.

Conditions:
Renal cell carcinoma. Identifiers: Orphanet 217071, MedGen C0007134, MeSH D002292, MONDO:0005086, HP:0005584.
Hereditary cancer-predisposing syndrome. Also called: Neoplastic Syndromes, Hereditary; Hereditary Cancer Syndrome; Tumor predisposition; Hereditary neoplastic syndrome. Identifiers: Orphanet 140162, MedGen C0027672, MeSH D009386, MONDO:0015356.

Allele frequency attached by ClinVar (database versions not stated): gnomAD 0.00001.
gnomAD v4.1: 4 of 1,613,566 alleles (0.00025%); highest among the groups gnomAD compares: Admixed American, 0.0017%; no homozygotes.

Submissions (3):

Labcorp Genetics (formerly Invitae), Labcorp
Classification: Uncertain significance for Renal cell carcinoma. Last evaluated: 2026-01-25. Review status: criteria provided, single submitter. Criteria: Invitae Variant Classification Sherloc (09022015). Collection method: clinical testing. Allele origin: germline.
Comment: This sequence change creates a premature translational stop signal (p.Arg1188*) in the MET gene. It is expected to result in an absent or disrupted protein product. However, the current clinical and genetic evidence is not sufficient to establish whether loss-of-function variants in MET cause disease. This variant is not present in population databases (gnomAD no frequency). This variant has not been reported in the literature in individuals affected with MET-related conditions. ClinVar contains an entry for this variant (Variation ID: 546023). Algorithms developed to predict the effect of sequence changes on RNA splicing suggest that this variant may disrupt the consensus splice site. In summary, the available evidence is currently insufficient to determine the role of this variant in disease. Therefore, it has been classified as a Variant of Uncertain Significance.

Ambry Genetics
Classification: Uncertain significance for Hereditary cancer-predisposing syndrome. Last evaluated: 2024-04-25. Review status: criteria provided, single submitter. Criteria: Ambry Variant Classification Scheme 2023. Collection method: clinical testing. Allele origin: germline.
Comment: The p.R1188* variant (also known as c.3562C>T), located in coding exon 16 of the MET gene, results from a C to T substitution at nucleotide position 3562. This changes the amino acid from an arginine to a stop codon within coding exon 16. This alteration is expected to result in protein truncation or nonsense-mediated mRNA decay. However, loss of function of MET has not been established as a mechanism of disease. Based on the available evidence, the clinical significance of this variant remains unclear.

GeneDx
Classification: Uncertain significance. Last evaluated: 2018-04-26. Review status: criteria provided, single submitter. Criteria: GeneDx Variant Classification (06012015). Collection method: clinical testing. Allele origin: germline. Affected: yes.
Comment: This variant is denoted MET c.3562C>T at the cDNA level and p.Arg1188Ter (R1188X) at the protein level. The substitution creates a nonsense variant, which changes an Arginine to a premature stop codon (CGA>TGA). Although this variant is predicted to cause loss of normal protein function through either protein truncation or nonsense-mediated mRNA decay, the mechanism of disease for hereditary papillary renal carcinoma (HPRC) has been shown to be activating rather than loss of function variants in MET (Schmidt 2004). MET Arg1188Ter has not, to our knowledge, been published in the literature as pathogenic or benign. Based on currently available evidence, it is unclear whether this variant is a pathogenic variant or a benign variant. We consider it to be a variant of uncertain significance.